The following is an entry in ClinVar:

NM_014797.3(ZBTB24):c.431del (p.Gly144fs)

Gene: ZBTB24 (zinc finger and BTB domain containing 24; minus strand). Cytogenetic location: 6q21.
Variant type: Deletion.
Coding change: c.431del on transcript NM_014797.3 (MANE Select); coding-DNA position 431, one base deleted (G; older notation c.431delG).
Protein change: p.Gly144fs; shifts the reading frame from glycine 144.
Molecular consequence: frameshift variant.
Genome position (GRCh38, 1-based): chr6:109,481,596, C deleted on the plus strand (G on the coding strand, the reverse complement: ZBTB24 is on the minus strand); the first of 2 consecutive C bases (chr6:109,481,596-109,481,597); deleting either gives the same sequence. VCF-style (leftmost placement, unchanged base first): chr6-109481595-AC-A. GRCh37 (hg19) VCF-style: chr6-109802798-AC-A.
Other names: c.431del, p.Gly144fs (NM_001164313.2); short protein forms G144fs.
Identifiers: ClinVar variation 2865191 (VCV002865191.3), dbSNP rs2482882524, ClinGen allele CA2739265933.

ClinVar aggregate classification (germline): Pathogenic (1 of 4 stars; one submission).

Conditions:
Immunodeficiency-centromeric instability-facial anomalies syndrome 2 (ICF2). Identifiers: Orphanet 2268, MedGen C3279748, MONDO:0013553, OMIM 614069.

Submission:

Labcorp Genetics (formerly Invitae), Labcorp
Classification: Pathogenic for Immunodeficiency-centromeric instability-facial anomalies syndrome 2. Last evaluated: 2023-05-17. Review status: criteria provided, single submitter. Criteria: Invitae Variant Classification Sherloc (09022015). Collection method: clinical testing. Allele origin: germline.
Comment: This sequence change creates a premature translational stop signal (p.Gly144Valfs*43) in the ZBTB24 gene. It is expected to result in an absent or disrupted protein product. Loss-of-function variants in ZBTB24 are known to be pathogenic (PMID: 21596365). This variant is not present in population databases (gnomAD no frequency). This variant has not been reported in the literature in individuals affected with ZBTB24-related conditions. For these reasons, this variant has been classified as Pathogenic.

Literature cited by the submitters: PubMed 21596365.